The following is an entry in ClinVar:

ClinVar aggregate classification (germline): Pathogenic/Likely pathogenic. Review status: criteria provided, multiple submitters, no conflicts (2 of 4 stars). 4 submissions from 4 submitters: Pathogenic (1); Likely pathogenic (1). 2 of the submissions do not count toward it. Last evaluated 2026-01-12.

Conditions:
NEK1-related disorder. Also called: NEK1-related condition.
Short-rib thoracic dysplasia 6 with or without polydactyly (SRTD6). Also called: SHORT-RIB THORACIC DYSPLASIA 6 WITH POLYDACTYLY; SHORT-RIB THORACIC DYSPLASIA 6 WITHOUT POLYDACTYLY; POLYDACTYLY WITH NEONATAL CHONDRODYSTROPHY, TYPE II; Majewski Syndrome; SHORT RIB-POLYDACTYLY SYNDROME, TYPE IIA. Identifiers: MedGen C0024507, MONDO:0009894, OMIM 263520.

Submissions (4):

PreventionGenetics, part of Exact Sciences
Classification: Pathogenic for NEK1-related condition. Last evaluated: 2026-01-12. Review status: criteria provided, single submitter. Criteria: ACMG Guidelines, 2015. Collection method: clinical testing. Allele origin: germline.
Comment: The NEK1 c.2730_2733delCAAA variant is predicted to result in a frameshift and premature protein termination (p.Asn910Lysfs*53). This variant has been reported along with another NEK1 variant in an individual with short-rib polydactyly syndrome (reported as p.Asn938LysfsTer53, Table S2 in Zhang et al 2017. PubMed ID: 29068549). This variant has also been reported in cohort studies of amyotrophic lateral sclerosis (reported as p.N938fs, Table S8, Gratten. 2017. PubMed ID: 29149916; reported as p.N841Kfs*53, Table S1, Grassano. 2022. PubMed ID: 35896380). This variant is reported in 0.0023% of alleles in individuals of European (Non-Finnish) descent in gnomAD. Frameshift variants in NEK1 are expected to be pathogenic. This variant is interpreted as pathogenic.

GeneDx
Classification: Likely pathogenic. Last evaluated: 2018-04-23. Review status: criteria provided, single submitter. Criteria: GeneDx Variant Classification (06012015). Collection method: clinical testing. Allele origin: germline. Affected: yes.
Comment: The c.2730_2733delCAAA likely pathogenic variant in the NEK1 gene has been published in association with short-rib polydactyly syndrome type II also known as Majewski Syndrome (Zhang et al., 2017). It is predicted to cause loss of normal protein function either through protein truncation or nonsense-mediated mRNA decay. The c.2730_2733delCAAA variant is not observed at a significant frequency in large population cohorts (Lek et al., 2016). In summary, this variant is likely pathogenic; however, the possibility that it is benign cannot be excluded.

Dan Cohn Lab, University Of California Los Angeles
Classification: Pathogenic for Short-rib thoracic dysplasia 6 with or without polydactyly. Last evaluated: 2017-06-01. Review status: no assertion criteria provided. Collection method: research. Allele origin: unknown. Affected: yes. Not counted in ClinVar's aggregate classification.

University of Washington Center for Mendelian Genomics, University of Washington
Classification: Likely pathogenic for short-rib polydactyly syndrome type II. Review status: no assertion criteria provided. Collection method: research. Allele origin: inherited. Affected: yes. Not counted in ClinVar's aggregate classification.

Literature cited by the submitters: PubMed 29068549 (cited by Dan Cohn Lab, University Of California Los Angeles and University of Washington Center for Mendelian Genomics, University of Washington).

NM_001199397.3(NEK1):c.2814_2817del (p.Asn938fs)

Gene: NEK1 (NIMA related kinase 1; minus strand). Cytogenetic location: 4q33.
Variant type: Microsatellite.
Coding change: c.2814_2817del on transcript NM_001199397.3 (MANE Select); coding-DNA positions 2814 to 2817, 4 bases deleted (CAAA; older notation c.2814_2817delCAAA).
Protein change: p.Asn938fs; shifts the reading frame from asparagine 938.
Molecular consequence: frameshift variant. On other transcripts: non-coding transcript variant (1).
Genome position (GRCh38, 1-based): chr4:169,433,613-169,433,616, TTTG deleted on the plus strand (CAAA on the coding strand, the reverse complement: NEK1 is on the minus strand); deleting any 4 consecutive bases within chr4:169,433,613-169,433,622 gives the same sequence; the c. name uses the placement nearest the transcript's 3' end. VCF-style (leftmost placement, unchanged base first): chr4-169433612-CTTTG-C. GRCh37 (hg19) VCF-style: chr4-170354763-CTTTG-C.
Other names: c.2679_2682del, p.Asn893fs (NM_001374420.1); c.2331_2334del, p.Asn777fs (NM_001374421.1); c.2730_2733del, p.Asn910fs (NM_012224.4, NM_001374419.1); c.2682_2685del, p.Asn894fs (NM_001199398.3); c.2523_2526del, p.Asn841fs (NM_001199399.3); c.2598_2601del, p.Asn866fs (NM_001199400.3); c.2814_2817del, p.Asn938fs (NM_001374418.1); short protein forms N894fs, N910fs, N866fs, N938fs, N841fs, N777fs, N893fs.
Identifiers: ClinVar variation 446673 (VCV000446673.4), dbSNP rs752878896, ClinGen allele CA3137321.